The following is an entry in ClinVar:

ClinVar aggregate classification (germline): Uncertain significance (1 of 4 stars; one submission).

Submission:

Labcorp Genetics (formerly Invitae), Labcorp
Classification: Uncertain significance. Last evaluated: 2021-02-27. Review status: criteria provided, single submitter. Criteria: Invitae Variant Classification Sherloc (09022015). Collection method: clinical testing. Allele origin: germline.
Comment: In summary, the available evidence is currently insufficient to determine the role of this variant in disease. Therefore, it has been classified as a Variant of Uncertain Significance. Experimental studies and prediction algorithms are not available or were not evaluated, and the functional significance of this variant is currently unknown. This variant has not been reported in the literature in individuals with GPR179-related conditions. This variant is not present in population databases (ExAC no frequency). This sequence change creates a premature translational stop signal (p.Met1863Trpfs*19) in the GPR179 gene. While this is not anticipated to result in nonsense mediated decay, it is expected to disrupt the last 505 amino acid(s) of the GPR179 protein.

NM_001004334.4(GPR179):c.5586del (p.Met1863fs)

Gene: GPR179 (G protein-coupled receptor 179; minus strand). Cytogenetic location: 17q12.
Variant type: Deletion.
Coding change: c.5586del on transcript NM_001004334.4 (MANE Select); coding-DNA position 5586, one base deleted (G; older notation c.5586delG).
Protein change: p.Met1863fs; shifts the reading frame from methionine 1863.
Molecular consequence: frameshift variant.
Genome position (GRCh38, 1-based): chr17:38,327,983, C deleted on the plus strand (G on the coding strand, the reverse complement: GPR179 is on the minus strand); the first of 3 consecutive C bases (chr17:38,327,983-38,327,985); deleting any one gives the same sequence. VCF-style (leftmost placement, unchanged base first): chr17-38327982-TC-T. GRCh37 (hg19) VCF-style: chr17-36483865-TC-T.
Other names: short protein forms M1863fs.
Identifiers: ClinVar variation 1401461 (VCV001401461.6), dbSNP rs2144256394, ClinGen allele CA2573153911.